The following is an entry in ClinVar:

NM_033056.4(PCDH15):c.4462_4469dup (p.Glu1491fs)

Gene: PCDH15 (protocadherin related 15; minus strand). Cytogenetic location: 10q21.1.
Variant type: Duplication.
Coding change: c.4462_4469dup on transcript NM_033056.4 (MANE Plus Clinical); coding-DNA positions 4462 to 4469, 8 bases duplicated (AATACTAT; older notation c.4462_4469dupAATACTAT).
Protein change: p.Glu1491fs; shifts the reading frame from glutamic acid 1491.
Molecular consequence: frameshift variant. On other transcripts: intron variant (8).
Genome position (GRCh38, 1-based): chr10:53,823,257-53,823,264, ATAGTATT duplicated on the plus strand (AATACTAT on the coding strand, the reverse complement: PCDH15 is on the minus strand). VCF-style (leftmost placement, unchanged base first): chr10-53823256-A-AATAGTATT. GRCh37 (hg19) VCF-style: chr10-55583016-A-AATAGTATT.
Other names: c.4462_4469dupAATACTAT (NM_033056.4, NM_033056.3); c.4483_4490dup, p.Glu1498fs (NM_001142763.2); c.4468_4475dup, p.Glu1493fs (NM_001142764.2); c.4255_4262dup, p.Glu1422fs (NM_001142765.2); c.4453_4460dup, p.Glu1488fs (NM_001142766.2); c.4342_4349dup, p.Glu1451fs (NM_001142767.2); c.4402_4409dup, p.Glu1471fs (NM_001142768.2); c.4393_4400dup, p.Glu1468fs (NM_001142773.2); and 7 more; short protein forms E1468fs, E1471fs, E1488fs, E1491fs, E1498fs, E1422fs, E1451fs, E1469fs.
Identifiers: ClinVar variation 432938 (VCV000432938.18), dbSNP rs774056663, ClinGen allele CA5505273.

ClinVar aggregate classification (germline): Conflicting classifications of pathogenicity. Review status: criteria provided, conflicting classifications (1 of 4 stars). 8 submissions from 7 submitters: Pathogenic (2); Likely pathogenic (4); Uncertain significance (2). Last evaluated 2026-01-28.

Conditions:
Usher syndrome type 1D (USH1D). Also called: USHER SYNDROME, TYPE ID. Identifiers: Orphanet 231169, Orphanet 886, MedGen C1832845, MONDO:0010984, OMIM 601067.
Usher syndrome type 1F (USH1F). Also called: USHER SYNDROME, TYPE IF. Identifiers: Orphanet 231169, Orphanet 886, MedGen C1865885, MONDO:0011186, OMIM 602083.
Autosomal recessive nonsyndromic hearing loss 23. Identifiers: Orphanet 90636, MedGen C1836027, MONDO:0012293, OMIM 609533.
Usher syndrome. Also called: Usher Syndromes; Usher's syndrome. Identifiers: Orphanet 886, MedGen CN469326, MeSH D052245, MONDO:0019501. Disease mechanism: loss of function.
Nonsyndromic Deafness. Also called: Non-syndromic hearing loss; Nonsyndromic hearing loss. Identifiers: MedGen C3711374, MeSH C580334.

Allele frequency attached by ClinVar (database versions not stated): gnomAD exomes 0.00002 and 0.00007; ExAC 0.00002; gnomAD 0.00003; TOPMed 0.00005.

Submissions (8):

Labcorp Genetics (formerly Invitae), Labcorp
Classification: Pathogenic. Last evaluated: 2026-01-28. Review status: criteria provided, single submitter. Criteria: Invitae Variant Classification Sherloc (09022015). Collection method: clinical testing. Allele origin: germline.
Comment: This sequence change creates a premature translational stop signal (p.Glu1491Ilefs*11) in the PCDH15 gene. While this is not anticipated to result in nonsense mediated decay, it is expected to disrupt the last 465 amino acid(s) of the PCDH15 protein. The frequency data for this variant in the population databases is considered unreliable, as metrics indicate poor data quality at this position in the gnomAD database. This variant has not been reported in the literature in individuals affected with PCDH15-related conditions. ClinVar contains an entry for this variant (Variation ID: 432938). Algorithms developed to predict the effect of sequence changes on RNA splicing suggest that this variant may disrupt the consensus splice site. This variant disrupts a region of the PCDH15 protein in which other variant(s) (p.Gln1576*) have been determined to be pathogenic (PMID: 28281779). This suggests that this is a clinically significant region of the protein, and that variants that disrupt it are likely to be disease-causing. For these reasons, this variant has been classified as Pathogenic.

Women's Health and Genetics/Laboratory Corporation of America, LabCorp
Classification: Pathogenic for Usher syndrome type 1F. Last evaluated: 2025-12-26. Review status: criteria provided, single submitter. Criteria: LabCorp Variant Classification Summary - May 2015. Collection method: clinical testing. Allele origin: germline.
Comment: Variant summary: PCDH15 c.4462_4469dupAATACTAT (p.Glu1491IlefsX11) results in a premature termination codon, predicted to escape nonsense mediated decay (NMD) and cause a truncation of the encoded protein and disrupt the last 465 amino acid(s) of the PCDH15 protein. This variant disrupts a region of the PCDH15 protein in which other variant(s) (p.Gln1576*) have been determined to be pathogenic (PMID: 28281779). Truncations downstream of this position have been classified as pathogenic by our laboratory. The variant allele was found at a frequency of 2e-05 in 251174 control chromosomes. To our knowledge, no occurrence of c.4462_4469dupAATACTAT in individuals affected with PCDH15-related conditions and no experimental evidence demonstrating its impact on protein function have been reported. ClinVar contains an entry for this variant (Variation ID: 432938). Based on the evidence outlined above, the variant was classified as pathogenic.

GeneDx
Classification: Likely pathogenic. Last evaluated: 2024-06-20. Review status: criteria provided, single submitter. Criteria: GeneDx Variant Classification Process June 2021. Collection method: clinical testing. Allele origin: germline. Affected: yes.
Comment: Frameshift variant predicted to result in protein truncation, as the last 465 amino acids are replaced with 10 different amino acids, and other loss-of-function variants have been reported downstream in HGMD; Not observed at significant frequency in large population cohorts (gnomAD); Has not been previously published as pathogenic or benign to our knowledge

Fulgent Genetics
Classification: Likely pathogenic for Usher syndrome type 1D; Usher syndrome type 1F; Autosomal recessive nonsyndromic hearing loss 23. Last evaluated: 2024-01-11. Review status: criteria provided, single submitter. Criteria: ACMG Guidelines, 2015. Collection method: clinical testing. Allele origin: germline.

Baylor Genetics
Classification: Uncertain significance for Autosomal recessive nonsyndromic hearing loss 23. Last evaluated: 2023-02-28. Review status: criteria provided, single submitter. Criteria: ACMG Guidelines, 2015. Collection method: clinical testing. Allele origin: unknown.

Blueprint Genetics
Classification: Uncertain significance. Last evaluated: 2022-06-30. Review status: criteria provided, single submitter. Criteria: ACMG Guidelines, 2015. Collection method: clinical testing. Allele origin: germline.

GeneID Lab - Advanced Molecular Diagnostics
Classification: Likely pathogenic for Usher syndrome. Last evaluated: 2017-09-07. Review status: criteria provided, single submitter. Criteria: ACMG Guidelines, 2015. Collection method: clinical testing. Allele origin: germline. Affected: no. Observed: 1 variant allele.

GeneID Lab - Advanced Molecular Diagnostics
Classification: Likely pathogenic for Non-syndromic hearing loss. Last evaluated: 2017-09-07. Review status: criteria provided, single submitter. Criteria: ACMG Guidelines, 2015. Collection method: clinical testing. Allele origin: germline. Affected: no. Observed: 1 variant allele.

Literature cited by the submitters: PubMed 28281779 (cited by Labcorp Genetics (formerly Invitae), Labcorp).